The following is an entry in ClinVar:

ClinVar aggregate classification (germline): Uncertain significance. Review status: criteria provided, multiple submitters, no conflicts (2 of 4 stars). 3 submissions from 3 submitters: Uncertain significance (3). Last evaluated 2023-12-30.

Conditions:
Inborn genetic diseases. Identifiers: MedGen C0950123, MeSH D030342.
Nemaline myopathy 6 (NEM6). Also called: Nemaline myopathy 6, autosomal dominant. Identifiers: Orphanet 171439, MedGen C1836472, MONDO:0012237, OMIM 609273.

Submissions (3):

Labcorp Genetics (formerly Invitae), Labcorp
Classification: Uncertain significance for Nemaline myopathy 6. Last evaluated: 2023-12-30. Review status: criteria provided, single submitter. Criteria: Invitae Variant Classification Sherloc (09022015). Collection method: clinical testing. Allele origin: germline.
Comment: This sequence change replaces proline, which is neutral and non-polar, with leucine, which is neutral and non-polar, at codon 194 of the KBTBD13 protein (p.Pro194Leu). This variant is not present in population databases (gnomAD no frequency). This variant has not been reported in the literature in individuals affected with KBTBD13-related conditions. ClinVar contains an entry for this variant (Variation ID: 1419606). Advanced modeling of protein sequence and biophysical properties (such as structural, functional, and spatial information, amino acid conservation, physicochemical variation, residue mobility, and thermodynamic stability) performed at Invitae indicates that this missense variant is expected to disrupt KBTBD13 protein function with a positive predictive value of 80%. In summary, the available evidence is currently insufficient to determine the role of this variant in disease. Therefore, it has been classified as a Variant of Uncertain Significance.

Revvity Omics, Revvity
Classification: Uncertain significance for Nemaline myopathy 6. Last evaluated: 2023-05-18. Review status: criteria provided, single submitter. Criteria: ACMG Guidelines, 2015. Collection method: clinical testing. Allele origin: germline.

Ambry Genetics
Classification: Uncertain significance for Inborn genetic diseases. Last evaluated: 2023-02-22. Review status: criteria provided, single submitter. Criteria: Ambry Variant Classification Scheme 2023. Collection method: clinical testing. Allele origin: germline.

NM_001101362.3(KBTBD13):c.581C>T (p.Pro194Leu)

Gene: KBTBD13 (kelch repeat and BTB domain containing 13; plus strand). Cytogenetic location: 15q22.31.
Variant type: single nucleotide variant.
Coding change: c.581C>T on transcript NM_001101362.3 (MANE Select); coding-DNA position 581, C replaced by T.
Protein change: p.Pro194Leu; replaces proline 194 with leucine.
Molecular consequence: missense variant.
Genome position (GRCh38, 1-based): chr15:65,077,396, C>T. VCF-style: chr15-65077396-C-T. GRCh37 (hg19) VCF-style: chr15-65369734-C-T.
Other names: c.581C>T (NM_001101362.2); short protein forms P194L.
Identifiers: ClinVar variation 1419606 (VCV001419606.9), dbSNP rs1481658087, ClinGen allele CA392861605.